The following is an entry in ClinVar:

ClinVar aggregate classification (germline): Pathogenic. Review status: reviewed by expert panel (3 of 4 stars). 4 submissions from 4 submitters: Pathogenic (1). 3 of the submissions do not count toward it. Last evaluated 2020-04-06.

Conditions:
Glycogen storage disease, type II (IOPD). Also called: POMPE DISEASE, INFANTILE-ONSET; GLYCOGEN STORAGE DISEASE II, INFANTILE-ONSET; ACID ALPHA-GLUCOSIDASE DEFICIENCY, INFANTILE-ONSET; GAA DEFICIENCY, INFANTILE-ONSET; ACID MALTASE DEFICIENCY, INFANTILE-ONSET; Glucosidase acid-1,4-alpha deficiency. Identifiers: Orphanet 365, MedGen C0017921, MONDO:0009290, OMIM 232300.

Submissions (4):

ClinGen Lysosomal Storage Disorder Variant Curation Expert Panel
Classification: Pathogenic for Glycogen storage disease, type II. Last evaluated: 2020-04-06. Review status: reviewed by expert panel. Criteria: ClinGen LSD ACMG Specifications v1. Collection method: curation. Allele origin: germline. Inheritance: Autosomal recessive inheritance.
Comment: This variant, c.2167_2179delinsTGCGACGTGG, is predicted to result in the in frame deletion of five amino acids (ValAlaArgProLeu) and insertion of another four amino acids in GAA (p.Val723_LeudelinsCysAspValVal), meeting PM4. The variant is absent in gnomAD v2.1.1, meeting PM2. To our knowledge, this variant has not been reported in the literature in individuals with Pompe disease, and experimental studies are not available. However, there is unpublished clinical laboratory data on two patients with the variant who have deficient GAA activity in dried blood spots, meeting PP4. One is compound heterozygous for the variant and c.-32-13T>G (known pathogenic variant), the other is compound heterozygous for the variant and c.655G>A (p.Gly219Arg) (pathogenic based on assessment by the ClinGen LSD VCEP). In both cases, the variants are confirmed in trans. This data meets PM3_Strong. PROVEAN and Mutation Taster predict that this variant impacts the function of GAA, meeting PP3. There is no entry for this variant in ClinVar. In summary, this variant meets the criteria to be classified as likely pathogenic for Pompe disease. GAA-specific ACMG/AMP criteria applied, as specified by the ClinGen LSD VCEP: PM2, PM4, PP3, PP4.

Genomenon, Inc
Classification: Uncertain significance for Glycogen storage disease, type II. Last evaluated: 2026-07-01. Review status: criteria provided, single submitter. Criteria: Genomenon Sequence Variant Interpretation Standards - Updated. Collection method: curation. Allele origin: germline. Affected: yes. Not counted in ClinVar's aggregate classification.
Comment: GAA p.Val723_Leu727delinsCysAspValVal (c.2167_2179delinsTGCGACGTGG) is an in-frame deletion-insertion variant resulting in the replacement of multiple amino acids, from Valine at codon 723 to Leucine at codon 727, with Cystine, Aspartic acid, Valine and Valine. This variant has been observed in at least one proband with a GAA-related disorder in the compound heterozygous and/or homozygous state (PMID:38250073). It is absent or not present at a significant frequency in gnomAD. In conclusion, we classify GAA p.Val723_Leu727delinsCysAspValVal (c.2167_2179delinsTGCGACGTGG) as a variant of uncertain significance.

GeneDx
Classification: Pathogenic. Last evaluated: 2026-03-27. Review status: criteria provided, single submitter. Criteria: GeneDx Variant Classification Process June 2021. Collection method: clinical testing. Allele origin: germline. Not counted in ClinVar's aggregate classification.
Comment: Observed as homozygous in a patient with reduced enzyme activity on newborn screening (PMID: 27238910); In-frame deletion of 5 amino acid(s) and insertion of 4 different amino acid(s) in a non-repeat region predicted to critically alter the protein; Not observed at significant frequency in large population cohorts (gnomAD); In silico analysis supports a deleterious effect on protein structure/function; Also known as c.2168del13ins10; This variant is associated with the following publications: (PMID: 19343043, 22253258, 27238910)

Revvity Omics, Revvity
Classification: Pathogenic. Last evaluated: 2025-06-25. Review status: criteria provided, single submitter. Criteria: ACMG Guidelines, 2015. Collection method: clinical testing. Allele origin: germline. Not counted in ClinVar's aggregate classification.

Literature cited by the submitters: PubMed 38250073 (cited by Genomenon, Inc).

NM_000152.5(GAA):c.2167_2179delinsTGCGACGTGG (p.Val723_Leu727delinsCysAspValVal)

Gene: GAA (alpha glucosidase; plus strand). Cytogenetic location: 17q25.3.
Variant type: Indel.
Coding change: c.2167_2179delinsTGCGACGTGG on transcript NM_000152.5 (MANE Select); coding-DNA positions 2167 to 2179, GTGGCCCGGCCCC replaced by TGCGACGTGG.
Protein change: p.Val723_Leu727delinsCysAspValVal.
Molecular consequence: inframe indel.
Genome position (GRCh38, 1-based): chr17:80,113,344-80,113,356, GTGGCCCGGCCCC replaced by TGCGACGTGG. VCF-style: chr17-80113344-GTGGCCCGGCCCC-TGCGACGTGG. GRCh37 (hg19) VCF-style: chr17-78087143-GTGGCCCGGCCCC-TGCGACGTGG.
Other names: c.2167_2179delinsTGCGACGTGG, p.Val723_Leu727delinsCysAspValVal (NM_001079803.3, NM_001079804.3); c.2167_2179delinsTGCGACGTGG (NM_000152.3).
Identifiers: ClinVar variation 932897 (VCV000932897.8), dbSNP rs2039292050, ClinGen allele CA913184909.
Genomic context (GRCh38, chr17:80,113,344, plus strand): 5'-TACGCACTCCTCCCCCACCTCTACACACTGTTCCACCAGGCCCACGTCGCGGGGGAGACC[GTGGCCCGGCCCC>TGCGACGTGG]TCTTCCTGGAGTGAGTGACCTAGGCAGGGGCGGTGGCCCATGTGTGCCCTGGGGGAGGGG-3'